The following is an entry in ClinVar:

ClinVar aggregate classification (germline): Benign (1 of 4 stars; one submission).

Allele frequency attached by ClinVar (database versions not stated): 1000 Genomes Project 30x 0.38960; 1000 Genomes Project 0.39996; TOPMed 0.46151; gnomAD 0.48094 and 0.48213.
gnomAD v4.1: 73,464 of 151,990 alleles (48%); highest among the groups gnomAD compares: Non-Finnish European, 65%; 21,478 homozygotes.

Submission:

GeneDx
Classification: Benign. Last evaluated: 2018-06-14. Review status: criteria provided, single submitter. Criteria: GeneDx Variant Classification (06012015). Collection method: clinical testing. Allele origin: germline. Affected: yes.
Comment: This variant is considered likely benign or benign based on one or more of the following criteria: it is a conservative change, it occurs at a poorly conserved position in the protein, it is predicted to be benign by multiple in silico algorithms, and/or has population frequency not consistent with disease.

NM_002047.4(GARS1):c.1359+299A>G

Gene: GARS1 (glycyl-tRNA synthetase 1; plus strand). Cytogenetic location: 7p14.3.
Variant type: single nucleotide variant.
Coding change: c.1359+299A>G on transcript NM_002047.4 (MANE Select); 299 bases into the intron after coding-DNA position 1359, A replaced by G.
Molecular consequence: intron variant.
Genome position (GRCh38, 1-based): chr7:30,617,577, A>G. VCF-style: chr7-30617577-A-G. GRCh37 (hg19) VCF-style: chr7-30657193-A-G.
Other names: c.1197+299A>G (NM_001316772.1).
Identifiers: ClinVar variation 683989 (VCV000683989.1), dbSNP rs6970807, ClinGen allele CA12535693.
Genomic context (GRCh38, chr7:30,617,577, plus strand): 5'-TGTACACTGCTGTACAGTGTATTGGCAGCATTACTGGCAATATCCTGGAGTGGATCTAAG[A>G]CACATTGGCCTCTCCTTCCTGGCAAGAGTCCCAGCAAACATTGGAAATGGTGGAGAGGTT-3'